The following is an entry in ClinVar:

NM_005120.3(MED12):c.5103T>C (p.Ser1701=)

Gene: MED12 (mediator complex subunit 12; plus strand). Cytogenetic location: Xq13.1.
Variant type: single nucleotide variant.
Coding change: c.5103T>C on transcript NM_005120.3 (MANE Select); coding-DNA position 5103, T replaced by C.
Protein change: p.Ser1701=; no amino-acid change (serine 1701 retained).
Molecular consequence: synonymous variant.
Genome position (GRCh38, 1-based): chrX:71,136,358, T>C. VCF-style: chrX-71136358-T-C. GRCh37 (hg19) VCF-style: chrX-70356208-T-C.
Identifiers: ClinVar variation 511739 (VCV000511739.38), dbSNP rs762801267, ClinGen allele CA10444743.
Genomic context (GRCh38, chrX:71,136,358, plus strand): 5'-CAAACAGAAGATCTCGCCCTGGGATCTTTTTGAGGGGTTGAAGCCGTCAGCACCACTCTC[T>C]TGGGGCTGGTTTGGAACAGTCCGAGTGGACCGGCGAGTGGCTCGAGGAGAGGAGCAGCAG-3'
Protein context (NP_005111.2, residues 1691-1711): FEGLKPSAPL[Ser1701=]WGWFGTVRVD

ClinVar aggregate classification (germline): Benign/Likely benign. Review status: criteria provided, multiple submitters, no conflicts (2 of 4 stars). 6 submissions from 6 submitters: Benign (1); Likely benign (5). Last evaluated 2026-04-01.

Conditions:
FG syndrome (FGS). Identifiers: MedGen C0220769, MONDO:0002010.
Familial thoracic aortic aneurysm and aortic dissection (TAAD). Also called: Thoracic aortic aneurysms and dissections. Identifiers: Orphanet 91387, MedGen C4707243, MONDO:0019625.

Allele frequency attached by ClinVar (database versions not stated): gnomAD exomes 0.00004 and 0.00013; TOPMed 0.00007; gnomAD 0.00008 and 0.00009; ExAC 0.00012.
gnomAD v4.1: 65 of 1,209,538 alleles (0.0054%); highest among the groups gnomAD compares: South Asian, 0.035%; no homozygotes.

Submissions (6):

CeGaT Center for Human Genetics Tuebingen
Classification: Likely benign. Last evaluated: 2026-04-01. Review status: criteria provided, single submitter. Criteria: CeGaT Center For Human Genetics Tuebingen Variant Classification Criteria Version 2. Collection method: clinical testing. Allele origin: germline. Affected: yes. Observed: 6 variant alleles.
Comment: MED12: BP4, BP7, BS2

Labcorp Genetics (formerly Invitae), Labcorp
Classification: Benign for FG syndrome. Last evaluated: 2026-01-19. Review status: criteria provided, single submitter. Criteria: Invitae Variant Classification Sherloc (09022015). Collection method: clinical testing. Allele origin: germline.

Women's Health and Genetics/Laboratory Corporation of America, LabCorp
Classification: Likely benign. Last evaluated: 2025-03-26. Review status: criteria provided, single submitter. Criteria: LabCorp Variant Classification Summary - May 2015. Collection method: clinical testing. Allele origin: germline.

Blueprint Genetics
Classification: Likely benign. Last evaluated: 2024-11-28. Review status: criteria provided, single submitter. Criteria: ACMG Guidelines, 2015. Collection method: clinical testing. Allele origin: germline.

GeneDx
Classification: Likely benign. Last evaluated: 2017-08-30. Review status: criteria provided, single submitter. Criteria: GeneDx Variant Classification (06012015). Collection method: clinical testing. Allele origin: germline. Affected: yes.
Comment: This variant is considered likely benign or benign based on one or more of the following criteria: it is a conservative change, it occurs at a poorly conserved position in the protein, it is predicted to be benign by multiple in silico algorithms, and/or has population frequency not consistent with disease.

Ambry Genetics
Classification: Likely benign for Familial thoracic aortic aneurysm and aortic dissection. Last evaluated: 2016-05-24. Review status: criteria provided, single submitter. Criteria: Ambry Variant Classification Scheme 2023. Collection method: clinical testing. Allele origin: germline.